The following is an entry in ClinVar:

NM_144997.7(FLCN):c.1432+7G>T

Gene: FLCN (folliculin; minus strand). Cytogenetic location: 17p11.2.
Variant type: single nucleotide variant.
Coding change: c.1432+7G>T on transcript NM_144997.7 (MANE Select); 7 bases into the intron after coding-DNA position 1432, G replaced by T.
Molecular consequence: intron variant.
Genome position (GRCh38, 1-based): chr17:17,215,178, C>A on the plus strand (G>T on the coding strand, the complement: FLCN is on the minus strand). VCF-style: chr17-17215178-C-A. GRCh37 (hg19) VCF-style: chr17-17118492-C-A.
Other names: c.1432+7G>T (NM_144997.6, NM_001353231.2, NM_001353230.2); c.1486+7G>T (NM_001353229.2).
Identifiers: ClinVar variation 1134683 (VCV001134683.9), dbSNP rs1200932753, ClinGen allele CA625314031.

ClinVar aggregate classification (germline): Likely benign. Review status: criteria provided, multiple submitters, no conflicts (2 of 4 stars). 3 submissions from 3 submitters: Likely benign (3). Last evaluated 2025-10-15.

Conditions:
Birt-Hogg-Dube syndrome. Also called: Birt Hogg Dubé syndrome. Identifiers: Orphanet 122, MedGen C0346010, MONDO:0800444.
Birt-Hogg-Dube syndrome 1 (BHD1). Also called: FIBROFOLLICULOMAS WITH TRICHODISCOMAS AND ACROCHORDONS. Identifiers: Orphanet 122, MedGen CN375946, MONDO:0800445, OMIM 135150.

Allele frequency attached by ClinVar (database versions not stated): TOPMed 0.00001; gnomAD 0.00002.
gnomAD v4.1: 10 of 1,613,970 alleles (0.00062%); highest among the groups gnomAD compares: Admixed American, 0.005%; no homozygotes.

Submissions (3):

Quest Diagnostics Nichols Institute San Juan Capistrano
Classification: Likely benign. Last evaluated: 2025-10-15. Review status: criteria provided, single submitter. Criteria: Quest Diagnostics criteria. Collection method: clinical testing. Allele origin: unknown.

Labcorp Genetics (formerly Invitae), Labcorp
Classification: Likely benign for Birt-Hogg-Dube syndrome. Last evaluated: 2025-06-09. Review status: criteria provided, single submitter. Criteria: Invitae Variant Classification Sherloc (09022015). Collection method: clinical testing. Allele origin: germline.

Myriad Genetics, Inc.
Classification: Likely benign for Birt-Hogg-Dube syndrome 1. Last evaluated: 2024-10-25. Review status: criteria provided, single submitter. Criteria: Myriad Autosomal Dominant, Autosomal Recessive and X-Linked Classification Criteria (2023). Collection method: clinical testing. Allele origin: unknown.
Comment: This variant is considered likely benign. This variant is intronic and is not expected to impact mRNA splicing.